The following is an entry in ClinVar:

NM_024426.6(WT1):c.341C>A (p.Ala114Glu)

Genes: WT1 (WT1 transcription factor; minus strand), LOC107982234 (WT1/WT1-AS bi-directional promoter region; plus strand). Cytogenetic location: 11p13.
Variant type: single nucleotide variant.
Coding change: c.341C>A on transcript NM_024426.6 (MANE Select); coding-DNA position 341, C replaced by A.
Protein change: p.Ala114Glu; replaces alanine 114 with glutamic acid.
Molecular consequence: missense variant. On other transcripts: non-coding transcript variant (1).
Genome position (GRCh38, 1-based): chr11:32,435,020, G>T on the plus strand (C>A on the coding strand, the complement: WT1 is on the minus strand). VCF-style: chr11-32435020-G-T. GRCh37 (hg19) VCF-style: chr11-32456566-G-T.
Other names: c.341C>A, p.Ala114Glu (NM_000378.6, NM_024424.5); short protein forms A114E.
Identifiers: ClinVar variation 654983 (VCV000654983.8), dbSNP rs1311557029, ClinGen allele CA379965886.

ClinVar aggregate classification (germline): Uncertain significance. Review status: criteria provided, multiple submitters, no conflicts (2 of 4 stars). 2 submissions from 2 submitters: Uncertain significance (2). Last evaluated 2026-03-30.

Conditions:
Drash syndrome (DDS). Also called: NEPHROPATHY, WILMS TUMOR, AND GENITAL ANOMALIES; WILMS TUMOR AND PSEUDO- OR TRUE HERMAPHRODITISM. Identifiers: Orphanet 220, MedGen C0950121, MONDO:0008682, OMIM 194080.
Frasier syndrome. Identifiers: Orphanet 347, MedGen C0950122, MeSH D052159, MONDO:0007635, OMIM 136680.
Wilms tumor 1 (WT1). Also called: Wilms tumor, somatic. Identifiers: Orphanet 654, MedGen CN033288, MONDO:0008679, OMIM 194070.
11p partial monosomy syndrome (WAGR). Also called: WAGR syndrome; WAGR Spectrum Disorder; WAGR Complex; CHROMOSOME 11p13 DELETION SYNDROME. Identifiers: Orphanet 893, MedGen C0206115, MONDO:0008681, OMIM 194072.
Inborn genetic diseases. Identifiers: MedGen C0950123, MeSH D030342.

Allele frequency attached by ClinVar (database versions not stated): TOPMed 0.00002; gnomAD 0.00001.

Submissions (2):

Ambry Genetics
Classification: Uncertain significance for Inborn genetic diseases. Last evaluated: 2026-03-30. Review status: criteria provided, single submitter. Criteria: Ambry Variant Classification Scheme 2023. Collection method: clinical testing. Allele origin: germline.
Comment: The p.A109E variant (also known as c.326C>A), located in coding exon 1 of the WT1 gene, results from a C to A substitution at nucleotide position 326. The alanine at codon 109 is replaced by glutamic acid, an amino acid with dissimilar properties. This amino acid position is not well conserved in available vertebrate species. In addition, the in silico prediction for this alteration is inconclusive. Based on the available evidence, the clinical significance of this variant remains unclear.

Labcorp Genetics (formerly Invitae), Labcorp
Classification: Uncertain significance for Wilms tumor 1; Drash syndrome; 11p partial monosomy syndrome; Frasier syndrome. Last evaluated: 2023-07-10. Review status: criteria provided, single submitter. Criteria: Invitae Variant Classification Sherloc (09022015). Collection method: clinical testing. Allele origin: germline.
Comment: This sequence change replaces alanine, which is neutral and non-polar, with glutamic acid, which is acidic and polar, at codon 109 of the WT1 protein (p.Ala109Glu). This variant is not present in population databases (gnomAD no frequency). This variant has not been reported in the literature in individuals affected with WT1-related conditions. ClinVar contains an entry for this variant (Variation ID: 654983). Advanced modeling of protein sequence and biophysical properties (such as structural, functional, and spatial information, amino acid conservation, physicochemical variation, residue mobility, and thermodynamic stability) performed at Invitae indicates that this missense variant is not expected to disrupt WT1 protein function. In summary, the available evidence is currently insufficient to determine the role of this variant in disease. Therefore, it has been classified as a Variant of Uncertain Significance.